The following is an entry in ClinVar:

ClinVar aggregate classification (germline): Uncertain significance (1 of 4 stars; one submission).

Allele frequency attached by ClinVar (database versions not stated): gnomAD exomes below 0.00001; TOPMed below 0.00001; gnomAD 0.00001.
gnomAD v4.1: 6 of 1,613,448 alleles (0.00037%); highest among the groups gnomAD compares: Non-Finnish European, 0.00051%; no homozygotes.

Submission:

Labcorp Genetics (formerly Invitae), Labcorp
Classification: Uncertain significance. Last evaluated: 2024-05-21. Review status: criteria provided, single submitter. Criteria: Invitae Variant Classification Sherloc (09022015). Collection method: clinical testing. Allele origin: germline.
Comment: This sequence change replaces glycine, which is neutral and non-polar, with alanine, which is neutral and non-polar, at codon 718 of the COL27A1 protein (p.Gly718Ala). This variant is not present in population databases (gnomAD no frequency). This variant has not been reported in the literature in individuals affected with COL27A1-related conditions. ClinVar contains an entry for this variant (Variation ID: 1899567). Advanced modeling of protein sequence and biophysical properties (such as structural, functional, and spatial information, amino acid conservation, physicochemical variation, residue mobility, and thermodynamic stability) performed at Invitae indicates that this missense variant is expected to disrupt COL27A1 protein function with a positive predictive value of 80%. In summary, the available evidence is currently insufficient to determine the role of this variant in disease. Therefore, it has been classified as a Variant of Uncertain Significance.

NM_032888.4(COL27A1):c.2153G>C (p.Gly718Ala)

Gene: COL27A1 (collagen type XXVII alpha 1 chain; plus strand). Cytogenetic location: 9q32.
Variant type: single nucleotide variant.
Coding change: c.2153G>C on transcript NM_032888.4 (MANE Select); coding-DNA position 2153, G replaced by C.
Protein change: p.Gly718Ala; replaces glycine 718 with alanine.
Molecular consequence: missense variant.
Genome position (GRCh38, 1-based): chr9:114,205,130, G>C. VCF-style: chr9-114205130-G-C. GRCh37 (hg19) VCF-style: chr9-116967410-G-C.
Other names: short protein forms G718A.
Identifiers: ClinVar variation 1899567 (VCV001899567.5), dbSNP rs1249243743, ClinGen allele CA374600290.
Genomic context (GRCh38, chr9:114,205,130, plus strand): 5'-CTGCCTGATGCAGCTTCTTCCCCCTCCAACAGGGACACAAGGGCTATCCTGGACCGGCAG[G>C]GCACCCCGGAGAACAGGTGAGGGCCTCAGCCTCAGCCCTGCCCTGGTCGCTCTCCCTCCT-3'
Protein context (NP_116277.2, residues 708-728): KGHKGYPGPA[Gly718Ala]HPGEQGQPGP